The following is an entry in ClinVar:

ClinVar aggregate classification (germline): Likely benign. Review status: criteria provided, multiple submitters, no conflicts (2 of 4 stars). 3 submissions from 3 submitters: Likely benign (3). Last evaluated 2025-10-24.

Allele frequency attached by ClinVar (database versions not stated): ExAC 0.00002; TOPMed 0.00002; gnomAD 0.00003 and 0.00004; gnomAD exomes 0.00004 and 0.00012.
gnomAD v4.1: 186 of 1,613,390 alleles (0.012%); highest among the groups gnomAD compares: Non-Finnish European, 0.014%; no homozygotes.

Submissions (3):

Labcorp Genetics (formerly Invitae), Labcorp
Classification: Likely benign. Last evaluated: 2025-10-24. Review status: criteria provided, single submitter. Criteria: Invitae Variant Classification Sherloc (09022015). Collection method: clinical testing. Allele origin: germline.

Blueprint Genetics
Classification: Likely benign. Last evaluated: 2023-12-15. Review status: criteria provided, single submitter. Criteria: ACMG Guidelines, 2015. Collection method: clinical testing. Allele origin: germline.

GeneDx
Classification: Likely benign. Last evaluated: 2018-02-02. Review status: criteria provided, single submitter. Criteria: GeneDx Variant Classification (06012015). Collection method: clinical testing. Allele origin: germline. Affected: yes.
Comment: This variant is considered likely benign or benign based on one or more of the following criteria: it is a conservative change, it occurs at a poorly conserved position in the protein, it is predicted to be benign by multiple in silico algorithms, and/or has population frequency not consistent with disease.

NM_007215.4(POLG2):c.970-18T>C

Genes: MILR1 (mast cell immunoglobulin like receptor 1; plus strand), POLG2 (DNA polymerase gamma 2, accessory subunit; minus strand). Cytogenetic location: 17q23.3.
Variant type: single nucleotide variant.
Coding change: c.970-18T>C on transcript NM_007215.4 (MANE Select); 18 bases into the intron before coding-DNA position 970, T replaced by C.
Molecular consequence: intron variant.
Genome position (GRCh38, 1-based): chr17:64,485,886, A>G on the plus strand (T>C on the coding strand, the complement: POLG2 is on the minus strand). VCF-style: chr17-64485886-A-G. GRCh37 (hg19) VCF-style: chr17-62482003-A-G.
Identifiers: ClinVar variation 514810 (VCV000514810.9), dbSNP rs782621581, ClinGen allele CA8712873.